The following is an entry in ClinVar:

NM_005902.4(SMAD3):c.209_210delinsGT (p.Ser70Cys)

Gene: SMAD3 (SMAD family member 3; plus strand). Cytogenetic location: 15q22.33.
Variant type: Indel.
Coding change: c.209_210delinsGT on transcript NM_005902.4 (MANE Select); coding-DNA positions 209 to 210, CC replaced by GT.
Protein change: p.Ser70Cys; replaces serine 70 with cysteine.
Molecular consequence: missense variant. On other transcripts: 5 prime UTR variant (3).
Genome position (GRCh38, 1-based): chr15:67,164,897-67,164,898, CC replaced by GT. VCF-style: chr15-67164897-CC-GT. GRCh37 (hg19) VCF-style: chr15-67457235-CC-GT.
Other names: c.-107_-106delinsGT (NM_001145102.2, NM_001407015.1, NM_001407016.1); c.77_78delinsGT, p.Ser26Cys (NM_001145103.2); c.209_210delinsGT, p.Ser70Cys (NM_001407011.1, NM_001407012.1, NM_001407013.1); c.62_63delinsGT, p.Ser21Cys (NM_001407014.1); short protein forms S21C, S26C, S70C.
Identifiers: ClinVar variation 4757851 (VCV004757851.1).

ClinVar aggregate classification (germline): Uncertain significance (1 of 4 stars; one submission).

Conditions:
Familial thoracic aortic aneurysm and aortic dissection (TAAD). Also called: Thoracic aortic aneurysms and dissections. Identifiers: Orphanet 91387, MedGen C4707243, MONDO:0019625.

Submission:

Color Diagnostics, LLC DBA Color Health
Classification: Uncertain significance for Familial thoracic aortic aneurysm and aortic dissection. Last evaluated: 2025-09-03. Review status: criteria provided, single submitter. Criteria: ACMG Guidelines, 2015. Collection method: clinical testing. Allele origin: germline.
Comment: This missense variant replaces serine with cysteine at codon 70 of the SMAD3 protein. To our knowledge, functional studies have not been reported for this variant. This variant has not been reported in individuals affected with SMAD3-related disorders in the literature. This variant has not been identified in the general population by the Genome Aggregation Database (gnomAD). The available evidence is insufficient to determine the role of this variant in disease conclusively. Therefore, this variant is classified as a Variant of Uncertain Significance.